The following is an entry in ClinVar:

NM_001849.4(COL6A2):c.927+5G>C

Gene: COL6A2 (collagen type VI alpha 2 chain; plus strand). Cytogenetic location: 21q22.3.
Variant type: single nucleotide variant.
Coding change: c.927+5G>C on transcript NM_001849.4 (MANE Select); 5 bases into the intron after coding-DNA position 927, G replaced by C.
Molecular consequence: intron variant.
Genome position (GRCh38, 1-based): chr21:46,116,408, G>C. VCF-style: chr21-46116408-G-C. GRCh37 (hg19) VCF-style: chr21-47536322-G-C.
Other names: c.927+5G>C (NM_058175.3, NM_058174.3).
Identifiers: ClinVar variation 2022363 (VCV002022363.4), dbSNP rs2516996260, ClinGen allele CA2580099016.

ClinVar aggregate classification (germline): Uncertain significance (1 of 4 stars; one submission).

Conditions:
Bethlem myopathy 1A. Also called: MYOPATHY, BENIGN CONGENITAL, WITH CONTRACTURES; Bethlem myopathy 1; Bethlem Muscular Dystrophy. Identifiers: Orphanet 610, MedGen CN029274, MONDO:0024530, OMIM 158810.

Submission:

Labcorp Genetics (formerly Invitae), Labcorp
Classification: Uncertain significance for Bethlem myopathy 1A. Last evaluated: 2022-08-07. Review status: criteria provided, single submitter. Criteria: Invitae Variant Classification Sherloc (09022015). Collection method: clinical testing. Allele origin: germline.
Comment: This sequence change falls in intron 8 of the COL6A2 gene. It does not directly change the encoded amino acid sequence of the COL6A2 protein. It affects a nucleotide within the consensus splice site. This variant is not present in population databases (gnomAD no frequency). Variants that disrupt the consensus splice site are a relatively common cause of aberrant splicing (PMID: 17576681, 9536098). Algorithms developed to predict the effect of sequence changes on RNA splicing suggest that this variant may disrupt the consensus splice site. This variant disrupts the c.927+5G>A nucleotide in the COL6A2 gene. Other variant(s) that disrupt this nucleotide have been determined to be pathogenic (PMID: 19309692; Invitae). This suggests that this nucleotide is clinically significant, and that variants that disrupt this position are likely to be disease-causing. In summary, the available evidence is currently insufficient to determine the role of this variant in disease. Therefore, it has been classified as a Variant of Uncertain Significance. This variant has not been reported in the literature in individuals affected with COL6A2-related conditions.

Literature cited by the submitters: PubMed 17576681; PubMed 9536098; PubMed 19309692.